The following is an entry in ClinVar:

ClinVar aggregate classification (germline): Uncertain significance. Review status: criteria provided, multiple submitters, no conflicts (2 of 4 stars). 2 submissions from 2 submitters: Uncertain significance (2). Last evaluated 2025-08-31.

Conditions:
Severe early-onset pulmonary alveolar proteinosis due to MARS deficiency. Also called: PULMONARY ALVEOLAR PROTEINOSIS, REUNION ISLAND; Interstitial lung and liver disease. Identifiers: Orphanet 440427, MedGen C4225400, MONDO:0014206, OMIM 615486.
Charcot-Marie-Tooth disease axonal type 2U. Also called: CHARCOT-MARIE-TOOTH NEUROPATHY, TYPE 2U; CHARCOT-MARIE-TOOTH DISEASE, AXONAL, AUTOSOMAL DOMINANT, TYPE 2U. Identifiers: Orphanet 397735, MedGen C4084821, MONDO:0014566, OMIM 616280.

Allele frequency attached by ClinVar (database versions not stated): gnomAD exomes 0.00002; gnomAD 0.00009.

Submissions (2):

Ambry Genetics
Classification: Uncertain significance. Last evaluated: 2025-08-31. Review status: criteria provided, single submitter. Criteria: Ambry Variant Classification Scheme 2023. Collection method: clinical testing. Allele origin: germline.

Labcorp Genetics (formerly Invitae), Labcorp
Classification: Uncertain significance for Charcot-Marie-Tooth disease axonal type 2U; Severe early-onset pulmonary alveolar proteinosis due to MARS deficiency. Last evaluated: 2024-09-04. Review status: criteria provided, single submitter. Criteria: Invitae Variant Classification Sherloc (09022015). Collection method: clinical testing. Allele origin: germline.
Comment: This sequence change replaces leucine, which is neutral and non-polar, with valine, which is neutral and non-polar, at codon 100 of the MARS protein (p.Leu100Val). This variant is present in population databases (rs200701235, gnomAD 0.02%). This missense change has been observed in individual(s) with clinical features of Charcot-Marie-Tooth disease (internal data). ClinVar contains an entry for this variant (Variation ID: 1681685). An algorithm developed to predict the effect of missense changes on protein structure and function (PolyPhen-2) suggests that this variant¬¨‚Ä†is likely to be tolerated. In summary, the available evidence is currently insufficient to determine the role of this variant in disease. Therefore, it has been classified as a Variant of Uncertain Significance.

NM_004990.4(MARS1):c.298C>G (p.Leu100Val)

Gene: MARS1 (methionyl-tRNA synthetase 1; plus strand). Cytogenetic location: 12q13.3.
Variant type: single nucleotide variant.
Coding change: c.298C>G on transcript NM_004990.4 (MANE Select); coding-DNA position 298, C replaced by G.
Protein change: p.Leu100Val; replaces leucine 100 with valine.
Molecular consequence: missense variant.
Genome position (GRCh38, 1-based): chr12:57,489,442, C>G. VCF-style: chr12-57489442-C-G. GRCh37 (hg19) VCF-style: chr12-57883225-C-G.
Other names: c.298C>G (NM_004990.3); short protein forms L100V.
Identifiers: ClinVar variation 1681685 (VCV001681685.9), dbSNP rs200701235, ClinGen allele CA237807215.